The following is an entry in ClinVar:

NC_000008.11:g.11573132C>T

Gene: BLK (BLK proto-oncogene, Src family tyrosine kinase). Cytogenetic location: 8p23.1.
Variant type: single nucleotide variant.
Genome position: GRCh38 VCF-style: chr8-11573132-C-T. GRCh37 (hg19) VCF-style: chr8-11430641-C-T.
Other names: BLK, CHR8:11,468,050, C-T.
Identifiers: ClinVar variation 12321 (VCV000012321.6), dbSNP rs61199332, ClinGen allele CA10602353.

ClinVar aggregate classification (germline): Benign. Review status: criteria provided, single submitter (1 of 4 stars). 4 submissions from 4 submitters: Benign (1). 3 of the submissions do not count toward it. Last evaluated 2020-10-28.

Conditions:
BLK-related disorder. Also called: BLK-related condition.
Maturity-onset diabetes of the young type 11. Identifiers: Orphanet 552, MedGen C3150618, MONDO:0013242, OMIM 613375.

Allele frequency attached by ClinVar (database versions not stated): gnomAD 0.06060 and 0.06287; 1000 Genomes Project 0.06450; TOPMed 0.06623; 1000 Genomes Project 30x 0.06683.

Submissions (4):

H3Africa Consortium
Classification: Benign. Last evaluated: 2020-10-28. Review status: criteria provided, single submitter. Criteria: Choudhury A et al. (Nature 2020). Collection method: research. Allele origin: germline. Study: H3Africa.
Comment: While the frequency of the alternate allele in gnoMAD v2.0.2 is 0.146, its frequency in African populations is >5%. This suggests that previous classifications of this variant as pathogenic are in error.

PreventionGenetics, part of Exact Sciences
Classification: Benign for BLK-related condition. Last evaluated: 2020-10-12. Review status: no assertion criteria provided. Collection method: clinical testing. Allele origin: germline. Not counted in ClinVar's aggregate classification.
Comment: This variant is classified as benign based on ACMG/AMP sequence variant interpretation guidelines (Richards et al. 2015 PMID: 25741868, with internal and published modifications).

Reproductive Health Research and Development, BGI Genomics
Classification: Benign for Maturity-onset diabetes of the young, type 11. Last evaluated: 2020-01-06. Review status: no assertion criteria provided. Collection method: curation. Allele origin: germline. Not counted in ClinVar's aggregate classification.
Comment: NC_000008.11:g.11573132C>T has an allele frequency of 0.163 in African subpopulation in the gnomAD database, including 128 homozygous occurrences. This variant was annotated at the position 11,468,050 on chromsome 8. In the functional study by MIN6 beta-cells, this variant decreased luciferase expression as compared with control constructs without any insert (PMID: 19667185). This evidence suggests the variant to be classified as benign. ACMG/AMP criteria applied: BA1, BS2, PS3.

OMIM
Classification: Pathogenic for MATURITY-ONSET DIABETES OF THE YOUNG, TYPE 11. Last evaluated: 2009-08-25. Review status: no assertion criteria provided. Collection method: literature only. Allele origin: germline. Not counted in ClinVar's aggregate classification.

Literature cited by the submitters: PubMed 19667185 (cited by OMIM).